The following is an entry in ClinVar:

ClinVar aggregate classification (germline): Uncertain significance. Review status: criteria provided, multiple submitters, no conflicts (2 of 4 stars). 3 submissions from 3 submitters: Uncertain significance (3). Last evaluated 2025-06-09.

Conditions:
Familial cancer of breast. Also called: Hereditary breast cancer; hereditary breast carcinoma; BREAST CANCER, FAMILIAL. Identifiers: Orphanet 227535, MedGen C0346153, MONDO:0016419, OMIM 114480. Disease mechanism: loss of function.
Hereditary cancer-predisposing syndrome. Also called: Neoplastic Syndromes, Hereditary; Tumor predisposition; Hereditary neoplastic syndrome; Hereditary Cancer Syndrome. Identifiers: Orphanet 140162, MedGen C0027672, MeSH D009386, MONDO:0015356.

Allele frequency attached by ClinVar (database versions not stated): gnomAD exomes below 0.00001 and 0.00001; TOPMed 0.00001; ExAC 0.00002.
gnomAD v4.1: 2 of 1,614,184 alleles (0.00012%); highest among the groups gnomAD compares: Admixed American, 0.0033%; no homozygotes.

Submissions (3):

Labcorp Genetics (formerly Invitae), Labcorp
Classification: Uncertain significance for Familial cancer of breast. Last evaluated: 2025-06-09. Review status: criteria provided, single submitter. Criteria: Invitae Variant Classification Sherloc (09022015). Collection method: clinical testing. Allele origin: germline.
Comment: This sequence change replaces asparagine, which is neutral and polar, with aspartic acid, which is acidic and polar, at codon 863 of the PALB2 protein (p.Asn863Asp). This variant is present in population databases (rs776407568, gnomAD 0.009%). This variant has not been reported in the literature in individuals affected with PALB2-related conditions. ClinVar contains an entry for this variant (Variation ID: 837393). An algorithm developed to predict the effect of missense changes on protein structure and function outputs the following: PolyPhen-2: "Possibly Damaging". The aspartic acid amino acid residue is found in multiple mammalian species, which suggests that this missense change does not adversely affect protein function. In summary, the available evidence is currently insufficient to determine the role of this variant in disease. Therefore, it has been classified as a Variant of Uncertain Significance.

Ambry Genetics
Classification: Uncertain significance for Hereditary cancer-predisposing syndrome. Last evaluated: 2024-09-02. Review status: criteria provided, single submitter. Criteria: Ambry Variant Classification Scheme 2023. Collection method: clinical testing. Allele origin: germline.
Comment: The p.N863D variant (also known as c.2587A>G), located in coding exon 7 of the PALB2 gene, results from a A to G substitution at nucleotide position 2587. This variant impacts the first base pair of coding exon 7. The asparagine at codon 863 is replaced by aspartic acid, an amino acid with highly similar properties. This amino acid position is well conserved in available vertebrate species. In addition, this alteration is predicted to be tolerated by in silico analysis. Since supporting evidence is limited at this time, the clinical significance of this alteration remains unclear.

Baylor Genetics
Classification: Uncertain significance for Familial cancer of breast. Last evaluated: 2023-06-07. Review status: criteria provided, single submitter. Criteria: ACMG Guidelines, 2015. Collection method: clinical testing. Allele origin: unknown.

NM_024675.4(PALB2):c.2587A>G (p.Asn863Asp)

Gene: PALB2 (partner and localizer of BRCA2; minus strand). Cytogenetic location: 16p12.2.
Variant type: single nucleotide variant.
Coding change: c.2587A>G on transcript NM_024675.4 (MANE Select); coding-DNA position 2587, A replaced by G.
Protein change: p.Asn863Asp; replaces asparagine 863 with aspartic acid.
Molecular consequence: missense variant.
Genome position (GRCh38, 1-based): chr16:23,626,397, T>C on the plus strand (A>G on the coding strand, the complement: PALB2 is on the minus strand). VCF-style: chr16-23626397-T-C. GRCh37 (hg19) VCF-style: chr16-23637718-T-C.
Other names: short protein forms N863D.
Identifiers: ClinVar variation 837393 (VCV000837393.12), dbSNP rs776407568, ClinGen allele CA7963518.
Genomic context (GRCh38, chr16:23,626,397, plus strand): 5'-TACAACCGGCTCTTTCCCAAAACATGGCACTCACATCTACGGAACAGGAACCTGAAGGAT[T>C]CTGACACAATGGCAACAGTTCTGTTAAAGTGGCACTCGAGTGCTGTTTTATGCAAAGCAT-3'
Protein context (NP_078951.2, residues 853-873): GNLQLVSELK[Asn863Asp]PSGSCSVDVS